The following is an entry in ClinVar:

ClinVar aggregate classification (germline): Uncertain significance (1 of 4 stars; one submission).

gnomAD v4.1: 34 of 1,613,240 alleles (0.0021%); highest among the groups gnomAD compares: Non-Finnish European, 0.0028%; no homozygotes.

Submission:

Labcorp Genetics (formerly Invitae), Labcorp
Classification: Uncertain significance. Last evaluated: 2025-12-15. Review status: criteria provided, single submitter. Criteria: Invitae Variant Classification Sherloc (09022015). Collection method: clinical testing. Allele origin: germline.
Comment: This sequence change replaces phenylalanine, which is neutral and non-polar, with leucine, which is neutral and non-polar, at codon 603 of the KSR2 protein (p.Phe603Leu). This variant is present in population databases (rs370589065, gnomAD 0.006%). This variant has not been reported in the literature in individuals affected with KSR2-related conditions. An algorithm developed to predict the effect of missense changes on protein structure and function outputs the following: PolyPhen-2: "Possibly Damaging". The leucine amino acid residue is found in multiple mammalian species, which suggests that this missense change does not adversely affect protein function. In summary, the available evidence is currently insufficient to determine the role of this variant in disease. Therefore, it has been classified as a Variant of Uncertain Significance.

NM_173598.6(KSR2):c.1896C>G (p.Phe632Leu)

Gene: KSR2 (kinase suppressor of ras 2; minus strand). Cytogenetic location: 12q24.22.
Variant type: single nucleotide variant.
Coding change: c.1896C>G on transcript NM_173598.6 (MANE Select); coding-DNA position 1896, C replaced by G.
Protein change: p.Phe632Leu; replaces phenylalanine 632 with leucine.
Molecular consequence: missense variant.
Genome position (GRCh38, 1-based): chr12:117,525,175, G>C on the plus strand (C>G on the coding strand, the complement: KSR2 is on the minus strand). VCF-style: chr12-117525175-G-C. GRCh37 (hg19) VCF-style: chr12-117962980-G-C.
Other names: short protein forms F632L.
Identifiers: ClinVar variation 4691183 (VCV004691183.1).